The following is an entry in ClinVar:

NM_001267550.2(TTN):c.51740-17G>T

Genes: TTN (titin; minus strand), TTN-AS1 (TTN antisense RNA 1; plus strand). Cytogenetic location: 2q31.2.
Variant type: single nucleotide variant.
Coding change: c.51740-17G>T on transcript NM_001267550.2 (MANE Select); 17 bases into the intron before coding-DNA position 51740, G replaced by T.
Molecular consequence: intron variant.
Genome position (GRCh38, 1-based): chr2:178,609,587, C>A on the plus strand (G>T on the coding strand, the complement: TTN is on the minus strand). VCF-style: chr2-178609587-C-A. GRCh37 (hg19) VCF-style: chr2-179474314-C-A.
Other names: c.24545-17G>T (NM_003319.4); c.25121-17G>T (NM_133437.4); c.24920-17G>T (NM_133432.3); c.44036-17G>T (NM_133378.4); c.46817-17G>T (NM_001256850.1).
Identifiers: ClinVar variation 512635 (VCV000512635.10), dbSNP rs1271846679, ClinGen allele CA430271544.

ClinVar aggregate classification (germline): Likely benign. Review status: criteria provided, multiple submitters, no conflicts (2 of 4 stars). 3 submissions from 3 submitters: Likely benign (3). Last evaluated 2025-10-29.

Conditions:
Autosomal recessive limb-girdle muscular dystrophy type 2J (LGMDR10). Also called: Limb-girdle muscular dystrophy, type 2J; MUSCULAR DYSTROPHY, LIMB-GIRDLE, AUTOSOMAL RECESSIVE 10. Identifiers: Orphanet 140922, MedGen C1837342, MONDO:0012127, OMIM 608807.
Dilated cardiomyopathy 1G (CMD1G). Identifiers: Orphanet 154, MedGen C1858763, MONDO:0011400, OMIM 604145.

Allele frequency attached by ClinVar (database versions not stated): gnomAD below 0.00001 and 0.00001; TOPMed below 0.00001; gnomAD exomes 0.00001.
gnomAD v4.1: 37 of 1,568,218 alleles (0.0024%); highest among the groups gnomAD compares: South Asian, 0.043%; no homozygotes.

Submissions (3):

Labcorp Genetics (formerly Invitae), Labcorp
Classification: Likely benign for Dilated cardiomyopathy 1G; Autosomal recessive limb-girdle muscular dystrophy type 2J. Last evaluated: 2025-10-29. Review status: criteria provided, single submitter. Criteria: Invitae Variant Classification Sherloc (09022015). Collection method: clinical testing. Allele origin: germline.

Blueprint Genetics
Classification: Likely benign. Last evaluated: 2023-08-04. Review status: criteria provided, single submitter. Criteria: ACMG Guidelines, 2015. Collection method: clinical testing. Allele origin: germline.

GeneDx
Classification: Likely benign. Last evaluated: 2017-10-04. Review status: criteria provided, single submitter. Criteria: GeneDx Variant Classification (06012015). Collection method: clinical testing. Allele origin: germline. Affected: yes.
Comment: This variant is considered likely benign or benign based on one or more of the following criteria: it is a conservative change, it occurs at a poorly conserved position in the protein, it is predicted to be benign by multiple in silico algorithms, and/or has population frequency not consistent with disease.